The following is an entry in ClinVar:

ClinVar aggregate classification (germline): Likely benign (1 of 4 stars; one submission).

Conditions:
Tuberous sclerosis 2 (TSC2). Identifiers: Orphanet 805, MedGen C1860707, MONDO:0013199, OMIM 613254.

Submission:

Myriad Genetics, Inc.
Classification: Likely benign for Tuberous sclerosis 2. Last evaluated: 2025-05-15. Review status: criteria provided, single submitter. Criteria: Myriad Autosomal Dominant, Autosomal Recessive and X-Linked Classification Criteria (2023). Collection method: clinical testing. Allele origin: unknown.
Comment: This variant is considered likely benign. This variant is intronic and is not expected to impact mRNA splicing.

NM_000548.5(TSC2):c.1840-9T>C

Gene: TSC2 (TSC complex subunit 2; plus strand). Cytogenetic location: 16p13.3.
Variant type: single nucleotide variant.
Coding change: c.1840-9T>C on transcript NM_000548.5 (MANE Select); 9 bases into the intron before coding-DNA position 1840, T replaced by C.
Molecular consequence: intron variant.
Genome position (GRCh38, 1-based): chr16:2,071,501, T>C. VCF-style: chr16-2071501-T-C. GRCh37 (hg19) VCF-style: chr16-2121502-T-C.
Other names: c.1693-9T>C (NM_001318829.2, NM_001406679.1, NM_001406675.1 and 1 more transcripts); c.1873-9T>C (NM_001318832.2); c.1240-9T>C (NM_001406686.1, NM_001406682.1, NM_001406684.1 and 6 more transcripts); c.1729-9T>C (NM_001406670.1, NM_001318827.2, NM_001406678.1); c.1783-9T>C (NM_001406677.1); c.496-9T>C (NM_001406693.1, NM_001406689.1, NM_001406690.1 and 6 more transcripts); c.1930-9T>C (NM_001406667.1, NM_001406668.1); c.1840-9T>C (NM_001406663.1, NM_001406664.1, NM_021055.3 and 6 more transcripts); and 3 more.
Identifiers: ClinVar variation 4071100 (VCV004071100.1).
Genomic context (GRCh38, chr16:2,071,501, plus strand): 5'-AGGTGGGACGCCGCCTGTCCTGGGCCTGCACGAGCTTGGCTCTGGCTTTCACCATCCTCT[T>C]CCTGACAGGCCTTTGACTTCCTGTTGCTGCTGCGGGCCGACTCACTGCACCGCCTGGGCC-3'